The following is an entry in ClinVar:

ClinVar aggregate classification (germline): Uncertain significance (1 of 4 stars; one submission).

Conditions:
Hereditary cancer-predisposing syndrome. Also called: Neoplastic Syndromes, Hereditary; Tumor predisposition; Hereditary Cancer Syndrome; Hereditary neoplastic syndrome. Identifiers: Orphanet 140162, MedGen C0027672, MeSH D009386, MONDO:0015356.

Submission:

Ambry Genetics
Classification: Uncertain significance for Hereditary cancer-predisposing syndrome. Last evaluated: 2025-12-11. Review status: criteria provided, single submitter. Criteria: Ambry Variant Classification Scheme 2023. Collection method: clinical testing. Allele origin: germline.
Comment: The p.L3P variant (also known as c.8T>C), located in coding exon 1 of the MEN1 gene, results from a T to C substitution at nucleotide position 8. The leucine at codon 3 is replaced by proline, an amino acid with similar properties. This amino acid position is well conserved in available vertebrate species. In addition, this alteration is predicted to be deleterious by in silico analysis. Based on the available evidence, the clinical significance of this variant remains unclear.

NM_001370259.2(MEN1):c.8T>C (p.Leu3Pro)

Gene: MEN1 (menin 1; minus strand). Cytogenetic location: 11q13.1.
Variant type: single nucleotide variant.
Coding change: c.8T>C on transcript NM_001370259.2 (MANE Select); coding-DNA position 8, T replaced by C.
Protein change: p.Leu3Pro; replaces leucine 3 with proline.
Molecular consequence: missense variant. On other transcripts: non-coding transcript variant (4).
Genome position (GRCh38, 1-based): chr11:64,810,102, A>G on the plus strand (T>C on the coding strand, the complement: MEN1 is on the minus strand). VCF-style: chr11-64810102-A-G. GRCh37 (hg19) VCF-style: chr11-64577574-A-G.
Other names: c.8T>C, p.Leu3Pro (NM_000244.4, NM_001370251.2, NM_001370260.2 and 20 more transcripts); short protein forms L3P.
Identifiers: ClinVar variation 4646595 (VCV004646595.1).
Genomic context (GRCh38, chr11:64,810,102, plus strand): 5'-AACAGGCGCACCACGTCGTCGATGGAGCGCAGCGGGAACAGCGTCTTCTGGGCGGCCTTC[A>G]GCCCCATGGCGGCGGGCGGTGGGCGGCGGCCTGCAAGGCAAGCCGGGGGAGGGAGGGTCG-3'
Protein context (NP_001357188.2, residues 1-13): MG[Leu3Pro]KAAQKTLFPL